The following is an entry in ClinVar:

NM_000540.3(RYR1):c.11393A>G (p.Lys3798Arg)

Gene: RYR1 (ryanodine receptor 1; plus strand). Cytogenetic location: 19q13.2.
Variant type: single nucleotide variant.
Coding change: c.11393A>G on transcript NM_000540.3 (MANE Select); coding-DNA position 11393, A replaced by G.
Protein change: p.Lys3798Arg; replaces lysine 3798 with arginine.
Molecular consequence: missense variant.
Genome position (GRCh38, 1-based): chr19:38,535,174, A>G. VCF-style: chr19-38535174-A-G. GRCh37 (hg19) VCF-style: chr19-39025814-A-G.
Other names: c.11378A>G, p.Lys3793Arg (NM_001042723.2); short protein forms K3793R, K3798R.
Identifiers: ClinVar variation 3385558 (VCV003385558.1).

ClinVar aggregate classification (germline): Uncertain significance (1 of 4 stars; one submission).

Conditions:
Malignant hyperthermia, susceptibility to, 1 (MHS1). Also called: Anesthesia related hyperthermia; Malignant hyperpyrexia; Fulminating hyperpyrexia; Pharmacogenic myopathy; Malignant hyperthermia suceptibility 1; RYR1-Related Malignant Hyperthermia Susceptibility. Identifiers: Orphanet 423, MedGen C2930980, MONDO:0007783, OMIM 145600.

Submission:

All of Us Research Program, National Institutes of Health
Classification: Uncertain significance for Malignant hyperthermia, susceptibility to, 1. Last evaluated: 2024-02-22. Review status: criteria provided, single submitter. Criteria: ACMG Guidelines, 2015. Collection method: clinical testing. Allele origin: germline. Inheritance: Autosomal dominant inheritance. Observed: 1 variant allele, 1 heterozygote.
Comment: This missense variant replaces lysine with arginine at codon 3798 of the RYR1 protein. Computational prediction is inconclusive regarding the impact of this variant on protein structure and function (internally defined REVEL score threshold 0.5 < inconclusive < 0.7, PMID: 27666373). To our knowledge, functional studies have not been reported for this variant. This variant has not been reported in individuals affected with RYR1-related disorders in the literature. This variant has not been identified in the general population by the Genome Aggregation Database (gnomAD). The available evidence is insufficient to determine the role of this variant in disease conclusively. Therefore, this variant is classified as a Variant of Uncertain Significance.

This study involves interpretation of variants in research participants for the purpose of population health screening. Participant phenotype was not available at the time of variant classification. Additional details can be found in publication PMID: 35346344, PMCID: PMC8962531